The following is an entry in ClinVar:

ClinVar aggregate classification (germline): Uncertain significance (1 of 4 stars; one submission).

Conditions:
Cutis laxa, autosomal dominant 3 (ADCL3). Identifiers: Orphanet 90348, MedGen C4225268, MONDO:0014706, OMIM 616603.
Autosomal dominant spastic paraplegia type 9. Identifiers: MedGen C1832669, MONDO:0015091.
de Barsy syndrome. Also called: Cutis laxa-corneal clouding-oligophrenia syndrome. Identifiers: Orphanet 2962, MedGen C0268354, MONDO:0017569.

gnomAD v4.1: 3 of 1,614,128 alleles (0.00019%); highest among the groups gnomAD compares: Non-Finnish European, 0.00025%; no homozygotes.

Submission:

Labcorp Genetics (formerly Invitae), Labcorp
Classification: Uncertain significance for Autosomal dominant spastic paraplegia type 9; de Barsy syndrome; Cutis laxa, autosomal dominant 3. Last evaluated: 2025-07-23. Review status: criteria provided, single submitter. Criteria: Invitae Variant Classification Sherloc (09022015). Collection method: clinical testing. Allele origin: germline.
Comment: This sequence change replaces threonine, which is neutral and polar, with methionine, which is neutral and non-polar, at codon 696 of the ALDH18A1 protein (p.Thr696Met). This variant is not present in population databases (gnomAD no frequency). This missense change has been observed in individual(s) with autosomal recessive cutis laxa (PMID: 34954732). ClinVar contains an entry for this variant (Variation ID: 3755829). Invitae Evidence Modeling of protein sequence and biophysical properties (such as structural, functional, and spatial information, amino acid conservation, physicochemical variation, residue mobility, and thermodynamic stability) indicates that this missense variant is expected to disrupt ALDH18A1 protein function with a positive predictive value of 95%. In summary, the available evidence is currently insufficient to determine the role of this variant in disease. Therefore, it has been classified as a Variant of Uncertain Significance.

Literature cited by the submitters: PubMed 34954732.

NM_002860.4(ALDH18A1):c.2087C>T (p.Thr696Met)

Gene: ALDH18A1 (aldehyde dehydrogenase 18 family member A1; minus strand). Cytogenetic location: 10q24.1.
Variant type: single nucleotide variant.
Coding change: c.2087C>T on transcript NM_002860.4 (MANE Select); coding-DNA position 2087, C replaced by T.
Protein change: p.Thr696Met; replaces threonine 696 with methionine.
Molecular consequence: missense variant.
Genome position (GRCh38, 1-based): chr10:95,611,279, G>A on the plus strand (C>T on the coding strand, the complement: ALDH18A1 is on the minus strand). VCF-style: chr10-95611279-G-A. GRCh37 (hg19) VCF-style: chr10-97371036-G-A.
Other names: c.2081C>T, p.Thr694Met (NM_001017423.2, NM_001323415.2); c.1754C>T, p.Thr585Met (NM_001323412.2, NM_001323416.2); c.2087C>T, p.Thr696Met (NM_001323413.2, NM_001323414.2); c.1982C>T, p.Thr661Met (NM_001323417.2); c.1748C>T, p.Thr583Met (NM_001323418.2); c.1451C>T, p.Thr484Met (NM_001323419.2); short protein forms T484M, T583M, T585M, T661M, T694M, T696M.
Identifiers: ClinVar variation 3755829 (VCV003755829.2).